The following is an entry in ClinVar:

NM_006445.4(PRPF8):c.2631G>A (p.Ala877=)

Gene: PRPF8 (pre-mRNA processing factor 8; minus strand). Cytogenetic location: 17p13.3.
Variant type: single nucleotide variant.
Coding change: c.2631G>A on transcript NM_006445.4 (MANE Select); coding-DNA position 2631, G replaced by A.
Protein change: p.Ala877=; no amino-acid change (alanine 877 retained).
Molecular consequence: synonymous variant.
Genome position (GRCh38, 1-based): chr17:1,675,976, C>T on the plus strand (G>A on the coding strand, the complement: PRPF8 is on the minus strand). VCF-style: chr17-1675976-C-T. GRCh37 (hg19) VCF-style: chr17-1579270-C-T.
Identifiers: ClinVar variation 321901 (VCV000321901.24), dbSNP rs35420265, ClinGen allele CA8272080.
Genomic context (GRCh38, chr17:1,675,976, plus strand): 5'-GGCCTCACTCACCTCTTTGAAGGCTCTCTGTGTGAGGAGGTGACGCTTGATGCGGGACAG[C>T]GCCTCGTGGGGGTTATCGTAGGCCTGCTCGATCAGACCTAGCTCCTCCCTCTGAGACTGG-3'
Protein context (NP_006436.3, residues 867-887): IEQAYDNPHE[Ala877=]LSRIKRHLLT

ClinVar aggregate classification (germline): Benign. Review status: criteria provided, multiple submitters, no conflicts (2 of 4 stars). 4 submissions from 4 submitters: Benign (4). Last evaluated 2026-01-27.

Conditions:
Retinitis pigmentosa (RP). Identifiers: Orphanet 791, MedGen C0035334, MeSH D012174, MONDO:0019200, OMIM 268000. Inheritance: Autosomal dominant, autosomal recessive and X linked inheritance.
Retinitis pigmentosa 13 (RP13). Also called: PRPF 8-Related Retinitis Pigmentosa. Identifiers: Orphanet 791, MedGen C1838702, MONDO:0010806, OMIM 600059.

Allele frequency attached by ClinVar (database versions not stated): gnomAD 0.01452 and 0.01340; TOPMed 0.01512; ESP Exome Variant Server 0.01699; gnomAD exomes 0.00344; ExAC 0.00424; 1000 Genomes Project 0.01178; 1000 Genomes Project 30x 0.01280.
gnomAD v4.1: 4,034 of 1,614,020 alleles (0.25%); highest among the groups gnomAD compares: African/African-American, 4.7%; 86 homozygotes.

Submissions (4):

Labcorp Genetics (formerly Invitae), Labcorp
Classification: Benign. Last evaluated: 2026-01-27. Review status: criteria provided, single submitter. Criteria: Invitae Variant Classification Sherloc (09022015). Collection method: clinical testing. Allele origin: germline.

ARUP Laboratories, Molecular Genetics and Genomics, ARUP Laboratories
Classification: Benign for Retinitis pigmentosa 13. Last evaluated: 2023-11-29. Review status: criteria provided, single submitter. Criteria: ARUP Molecular Germline Variant Investigation Process 2024. Collection method: clinical testing. Allele origin: germline.

Illumina Laboratory Services, Illumina
Classification: Benign for Retinitis pigmentosa. Last evaluated: 2018-01-13. Review status: criteria provided, single submitter. Criteria: ICSL Variant Classification Criteria 13 December 2019. Collection method: clinical testing. Allele origin: germline.
Comment: This variant was observed in the ICSL laboratory as part of a predisposition screen in an ostensibly healthy population. It had not been previously curated by ICSL or reported in the Human Gene Mutation Database (HGMD: prior to June 1st, 2018), and was therefore a candidate for classification through an automated scoring system. Utilizing variant allele frequency, disease prevalence and penetrance estimates, and inheritance mode, an automated score was calculated to assess if this variant is too frequent to cause the disease. Based on the score and internal cut-off values, a variant classified as benign is not then subjected to further curation. The score for this variant resulted in a classification of benign for this disease.

Breakthrough Genomics
Classification: Benign. Review status: criteria provided, single submitter. Criteria: ACMG Guidelines, 2015. Collection method: not provided. Allele origin: germline. Inheritance: Autosomal dominant inheritance. Affected: yes.